The following is an entry in ClinVar:

ClinVar aggregate classification (germline): Pathogenic/Likely pathogenic. Review status: criteria provided, multiple submitters, no conflicts (2 of 4 stars). 2 submissions from 2 submitters: Pathogenic (1); Likely pathogenic (1). Last evaluated 2023-08-25.

Conditions:
Macular degeneration, early-onset (EOMD). Identifiers: MedGen C4015286, MONDO:0014501, OMIM 616118.
Congenital contractural arachnodactyly (CCA). Also called: BEALS SYNDROME; Beals-Hecht syndrome; Arthrogryposis, distal, type 9. Identifiers: Orphanet 115, MedGen C0220668, MONDO:0007363, OMIM 121050.

Submissions (2):

Labcorp Genetics (formerly Invitae), Labcorp
Classification: Pathogenic for Congenital contractural arachnodactyly. Last evaluated: 2023-08-25. Review status: criteria provided, single submitter. Criteria: Invitae Variant Classification Sherloc (09022015). Collection method: clinical testing. Allele origin: germline.
Comment: This sequence change replaces cysteine, which is neutral and slightly polar, with glycine, which is neutral and non-polar, at codon 1142 of the FBN2 protein (p.Cys1142Gly). This variant is not present in population databases (gnomAD no frequency). This missense change has been observed in individual(s) with Beals syndrome (Invitae). ClinVar contains an entry for this variant (Variation ID: 1675083). Advanced modeling of protein sequence and biophysical properties (such as structural, functional, and spatial information, amino acid conservation, physicochemical variation, residue mobility, and thermodynamic stability) performed at Invitae indicates that this missense variant is expected to disrupt FBN2 protein function. This variant affects a cysteine residue located within an epidermal growth factor (EGF)–like domain of the FBN2 protein. Cysteine residues in these domains are involved in the formation of disulfide bridges critical for protein structure and stability (PMID: 3495735, 4750422, 16677079). In addition, missense substitutions within the FBN2 EGF-like domains affecting cysteine residues are overrepresented in patients with congenital contractural arachnodactyly (PMID: 18767143). This variant disrupts the p.Cys1142 amino acid residue in FBN2. Other variant(s) that disrupt this residue have been observed in individuals with FBN2-related conditions (PMID: 10797416, 31316167), which suggests that this may be a clinically significant amino acid residue. For these reasons, this variant has been classified as Pathogenic.

Center for Genomics, Ann and Robert H. Lurie Children's Hospital of Chicago
Classification: Likely pathogenic for Congenital contractural arachnodactyly; Macular degeneration, early-onset. Review status: criteria provided, single submitter. Criteria: ACMG Guidelines, 2015. Collection method: clinical testing. Allele origin: germline.
Comment: FBN2 NM_001999.3 exon 26 p.Cys1142Gly (c.3424T>G): This variant has not been reported in the literature and is not present in large control databases. Evolutionary conservation and computational predictive tools suggest that this variant may impact the protein. Of note, this variant affects a cysteine residue in the epidermal growth factor (EGF) domain of the FBN2 protein, which is highly conserved. In addition, several other variants at this same amino acid residue (Cys1142Arg, Cys1142Phe, Cys1142Trp, Cys1142Tyr) have been reported in association with disease, further supporting the functional importance of this residue. In summary, data on this variant is highly suspicious for disease, but requires further evidence for pathogenicity. Therefore, this variant is classified as likely pathogenic

Literature cited by the submitters: PubMed 3495735 (cited by Labcorp Genetics (formerly Invitae), Labcorp); PubMed 4750422 (cited by Labcorp Genetics (formerly Invitae), Labcorp); PubMed 16677079 (cited by Labcorp Genetics (formerly Invitae), Labcorp); PubMed 18767143 (cited by Labcorp Genetics (formerly Invitae), Labcorp); PubMed 10797416 (cited by Labcorp Genetics (formerly Invitae), Labcorp); PubMed 31316167 (cited by Labcorp Genetics (formerly Invitae), Labcorp).

NM_001999.4(FBN2):c.3424T>G (p.Cys1142Gly)

Gene: FBN2 (fibrillin 2; minus strand). Cytogenetic location: 5q23.3.
Variant type: single nucleotide variant.
Coding change: c.3424T>G on transcript NM_001999.4 (MANE Select); coding-DNA position 3424, T replaced by G.
Protein change: p.Cys1142Gly; replaces cysteine 1142 with glycine.
Molecular consequence: missense variant.
Genome position (GRCh38, 1-based): chr5:128,338,981, A>C on the plus strand (T>G on the coding strand, the complement: FBN2 is on the minus strand). VCF-style: chr5-128338981-A-C. GRCh37 (hg19) VCF-style: chr5-127674673-A-C.
Other names: short protein forms C1142G.
Identifiers: ClinVar variation 1675083 (VCV001675083.5), dbSNP rs1750918931, ClinGen allele CA360759919.